The following is an entry in ClinVar:

ClinVar aggregate classification (germline): Uncertain significance (1 of 4 stars; one submission).

Conditions:
Multiple acyl-CoA dehydrogenase deficiency (MADD). Also called: Glutaric acidemia type II; GA 2; Glutaric aciduria, type 2; ETHYLMALONIC-ADIPICACIDURIA; GA II; Glutaric Acidemia type 2. Identifiers: Orphanet 26791, MedGen C0268596, MONDO:0009282, OMIM 231680.

Allele frequency attached by ClinVar (database versions not stated): gnomAD exomes below 0.00001 and 0.00001; gnomAD 0.00001; TOPMed 0.00001.
gnomAD v4.1: 13 of 1,613,774 alleles (0.00081%); highest among the groups gnomAD compares: Middle Eastern, 0.016%; no homozygotes.

Submission:

Labcorp Genetics (formerly Invitae), Labcorp
Classification: Uncertain significance for Multiple acyl-CoA dehydrogenase deficiency. Last evaluated: 2022-05-03. Review status: criteria provided, single submitter. Criteria: Invitae Variant Classification Sherloc (09022015). Collection method: clinical testing. Allele origin: germline.
Comment: This sequence change replaces proline, which is neutral and non-polar, with leucine, which is neutral and non-polar, at codon 131 of the ETFA protein (p.Pro131Leu). This variant is present in population databases (no rsID available, gnomAD 0.0009%). This variant has not been reported in the literature in individuals affected with ETFA-related conditions. ClinVar contains an entry for this variant (Variation ID: 1003895). Algorithms developed to predict the effect of missense changes on protein structure and function are either unavailable or do not agree on the potential impact of this missense change (SIFT: "Deleterious"; PolyPhen-2: "Probably Damaging"; Align-GVGD: "Class C15"). In summary, the available evidence is currently insufficient to determine the role of this variant in disease. Therefore, it has been classified as a Variant of Uncertain Significance.

NM_000126.4(ETFA):c.392C>T (p.Pro131Leu)

Gene: ETFA (electron transfer flavoprotein subunit alpha; minus strand). Cytogenetic location: 15q24.2.
Variant type: single nucleotide variant.
Coding change: c.392C>T on transcript NM_000126.4 (MANE Select); coding-DNA position 392, C replaced by T.
Protein change: p.Pro131Leu; replaces proline 131 with leucine.
Molecular consequence: missense variant.
Genome position (GRCh38, 1-based): chr15:76,287,905, G>A on the plus strand (C>T on the coding strand, the complement: ETFA is on the minus strand). VCF-style: chr15-76287905-G-A. GRCh37 (hg19) VCF-style: chr15-76580246-G-A.
Other names: c.245C>T, p.Pro82Leu (NM_001127716.2); short protein forms P131L, P82L.
Identifiers: ClinVar variation 1003895 (VCV001003895.2), dbSNP rs1323414196, ClinGen allele CA393515062.